The following is an entry in ClinVar:

NM_002185.5(IL7R):c.620C>G (p.Ser207Cys)

Gene: IL7R (interleukin 7 receptor; plus strand). Cytogenetic location: 5p13.2.
Variant type: single nucleotide variant.
Coding change: c.620C>G on transcript NM_002185.5 (MANE Select); coding-DNA position 620, C replaced by G.
Protein change: p.Ser207Cys; replaces serine 207 with cysteine.
Molecular consequence: missense variant.
Genome position (GRCh38, 1-based): chr5:35,873,562, C>G. VCF-style: chr5-35873562-C-G. GRCh37 (hg19) VCF-style: chr5-35873664-C-G.
Other names: c.620C>G, p.Ser207Cys (NM_001410734.1); short protein forms S207C.
Identifiers: ClinVar variation 2561392 (VCV002561392.4), dbSNP rs779479151, ClinGen allele CA3232039.

ClinVar aggregate classification (germline): Uncertain significance. Review status: criteria provided, multiple submitters, no conflicts (2 of 4 stars). 2 submissions from 2 submitters: Uncertain significance (2). Last evaluated 2025-11-24.

Conditions:
Inborn genetic diseases. Identifiers: MedGen C0950123, MeSH D030342.
Immunodeficiency 104. Also called: Severe Combined Immune Deficiency, Autosomal Recessive, TCell -Negative, B Cell-Positive, NK Cell-Positive, IL7R-Related; Severe combined immunodeficiency, autosomal recessive, T cell-negative, B cell-positive, NK cell-positive; IMMUNODEFICIENCY 104, SEVERE COMBINED; SCID, AUTOSOMAL RECESSIVE, T CELL-NEGATIVE, B CELL-POSITIVE, NK CELL-POSITIVE. Identifiers: MedGen C5676890, MONDO:0012163, OMIM 608971.

Allele frequency attached by ClinVar (database versions not stated): TOPMed below 0.00001; gnomAD exomes 0.00002; ExAC 0.00003.
gnomAD v4.1: 33 of 1,613,828 alleles (0.002%); highest among the groups gnomAD compares: South Asian, 0.035%; no homozygotes.

Submissions (2):

Labcorp Genetics (formerly Invitae), Labcorp
Classification: Uncertain significance for Immunodeficiency 104. Last evaluated: 2025-11-24. Review status: criteria provided, single submitter. Criteria: Invitae Variant Classification Sherloc (09022015). Collection method: clinical testing. Allele origin: germline.
Comment: This sequence change replaces serine, which is neutral and polar, with cysteine, which is neutral and slightly polar, at codon 207 of the IL7R protein (p.Ser207Cys). This variant is present in population databases (rs779479151, gnomAD 0.03%). This variant has not been reported in the literature in individuals affected with IL7R-related conditions. ClinVar contains an entry for this variant (Variation ID: 2561392). Invitae Evidence Modeling of protein sequence and biophysical properties (such as structural, functional, and spatial information, amino acid conservation, physicochemical variation, residue mobility, and thermodynamic stability) indicates that this missense variant is expected to disrupt IL7R protein function with a positive predictive value of 95%. In summary, the available evidence is currently insufficient to determine the role of this variant in disease. Therefore, it has been classified as a Variant of Uncertain Significance.

Ambry Genetics
Classification: Uncertain significance for Inborn genetic diseases. Last evaluated: 2023-05-03. Review status: criteria provided, single submitter. Criteria: Ambry Variant Classification Scheme 2023. Collection method: clinical testing. Allele origin: germline.